The following is an entry in ClinVar:

NM_000334.4(SCN4A):c.1808C>G (p.Thr603Arg)

Gene: SCN4A (sodium voltage-gated channel alpha subunit 4; minus strand). Cytogenetic location: 17q23.3.
Variant type: single nucleotide variant.
Coding change: c.1808C>G on transcript NM_000334.4 (MANE Select); coding-DNA position 1808, C replaced by G.
Protein change: p.Thr603Arg; replaces threonine 603 with arginine.
Molecular consequence: missense variant.
Genome position (GRCh38, 1-based): chr17:63,961,230, G>C on the plus strand (C>G on the coding strand, the complement: SCN4A is on the minus strand). VCF-style: chr17-63961230-G-C. GRCh37 (hg19) VCF-style: chr17-62038590-G-C.
Other names: short protein forms T603R.
Identifiers: ClinVar variation 647124 (VCV000647124.10), dbSNP rs767603831, ClinGen allele CA8709742.

ClinVar aggregate classification (germline): Uncertain significance. Review status: criteria provided, multiple submitters, no conflicts (2 of 4 stars). 4 submissions from 4 submitters: Uncertain significance (4). Last evaluated 2025-05-11.

Conditions:
Inborn genetic diseases. Identifiers: MedGen C0950123, MeSH D030342.
Potassium-aggravated myotonia. Also called: MYOTONIA CONGENITA, ACETAZOLAMIDE-RESPONSIVE; MYOTONIA CONGENITA, ATYPICAL; SODIUM CHANNEL MUSCLE DISEASE; Myotonia congenita, atypical, acetazolamide-responsive. Identifiers: Orphanet 612, Orphanet 99734, Orphanet 99735, Orphanet 99736, MedGen C2931826, MONDO:0018959, OMIM 608390.
Hypokalemic periodic paralysis, type 2 (HOKPP2). Identifiers: Orphanet 681, MedGen C2750061, MONDO:0013234, OMIM 613345.
Paramyotonia congenita of Von Eulenburg. Also called: PARALYSIS PERIODICA PARAMYOTONICA; Paramyotonia Congenita; Eulenburg disease; Myotonia congenita intermittens; Von Eulenburg paramyotonia congenita. Identifiers: Orphanet 684, MedGen C0221055, MONDO:0008195, OMIM 168300. Disease mechanism: loss of function.
Hyperkalemic periodic paralysis. Also called: Familial hyperkalemic periodic paralysis; Gamstorp disease. Identifiers: Orphanet 682, MedGen C0238357, MONDO:0008224, OMIM 170500, HP:0007215.
Hypokalemic periodic paralysis, type 1. Also called: Hypokalemic Periodic Paralysis Type 1 (AD); HypoPP. Identifiers: Orphanet 681, MedGen C3714580, MONDO:0042979, OMIM 170400.
Congenital myasthenic syndrome 16. Identifiers: Orphanet 590, MedGen C3280112, MONDO:0013620, OMIM 614198.

Allele frequency attached by ClinVar (database versions not stated): gnomAD 0.00004.
gnomAD v4.1: 20 of 1,363,662 alleles (0.0015%); highest among the groups gnomAD compares: African/African-American, 0.023%; no homozygotes.

Submissions (4):

Labcorp Genetics (formerly Invitae), Labcorp
Classification: Uncertain significance for Hyperkalemic periodic paralysis. Last evaluated: 2025-05-11. Review status: criteria provided, single submitter. Criteria: Invitae Variant Classification Sherloc (09022015). Collection method: clinical testing. Allele origin: germline.
Comment: This sequence change replaces threonine, which is neutral and polar, with arginine, which is basic and polar, at codon 603 of the SCN4A protein (p.Thr603Arg). This variant is present in population databases (rs767603831, gnomAD 0.02%). This variant has not been reported in the literature in individuals affected with SCN4A-related conditions. ClinVar contains an entry for this variant (Variation ID: 647124). Invitae Evidence Modeling of protein sequence and biophysical properties (such as structural, functional, and spatial information, amino acid conservation, physicochemical variation, residue mobility, and thermodynamic stability) has been performed for this missense variant. However, the output from this modeling did not meet the statistical confidence thresholds required to predict the impact of this variant on SCN4A protein function. In summary, the available evidence is currently insufficient to determine the role of this variant in disease. Therefore, it has been classified as a Variant of Uncertain Significance.

GeneDx
Classification: Uncertain significance. Last evaluated: 2025-03-03. Review status: criteria provided, single submitter. Criteria: GeneDx Variant Classification Process June 2021. Collection method: clinical testing. Allele origin: germline. Affected: yes.
Comment: Not observed at significant frequency in large population cohorts (gnomAD); In silico analysis supports that this missense variant has a deleterious effect on protein structure/function; Has not been previously published as pathogenic or benign to our knowledge

Ambry Genetics
Classification: Uncertain significance for Inborn genetic diseases. Last evaluated: 2024-02-14. Review status: criteria provided, single submitter. Criteria: Ambry Variant Classification Scheme 2023. Collection method: clinical testing. Allele origin: germline.

Fulgent Genetics
Classification: Uncertain significance for Paramyotonia congenita of Von Eulenburg; Hypokalemic periodic paralysis, type 1; Hyperkalemic periodic paralysis; Potassium-aggravated myotonia; Hypokalemic periodic paralysis, type 2; Congenital myasthenic syndrome 16. Last evaluated: 2022-04-13. Review status: criteria provided, single submitter. Criteria: ACMG Guidelines, 2015. Collection method: clinical testing. Allele origin: unknown.